The following is an entry in ClinVar:

NM_004360.5(CDH1):c.2187G>C (p.Leu729=)

Gene: CDH1 (cadherin 1; plus strand). Cytogenetic location: 16q22.1.
Variant type: single nucleotide variant.
Coding change: c.2187G>C on transcript NM_004360.5 (MANE Select); coding-DNA position 2187, G replaced by C.
Protein change: p.Leu729=; no amino-acid change (leucine 729 retained).
Molecular consequence: synonymous variant.
Genome position (GRCh38, 1-based): chr16:68,828,196, G>C. VCF-style: chr16-68828196-G-C. GRCh37 (hg19) VCF-style: chr16-68862099-G-C.
Other names: c.2004G>C, p.Leu668= (NM_001317184.2); c.639G>C, p.Leu213= (NM_001317185.2); c.222G>C, p.Leu74= (NM_001317186.2).
Identifiers: ClinVar variation 1107176 (VCV001107176.13), dbSNP rs961833483, ClinGen allele CA283314807.

ClinVar aggregate classification (germline): Conflicting classifications of pathogenicity. Review status: criteria provided, conflicting classifications (1 of 4 stars). 3 submissions from 3 submitters: Uncertain significance (1); Benign (1); Likely benign (1). Last evaluated 2024-09-20.

Conditions:
Hereditary diffuse gastric adenocarcinoma (HDGC). Also called: DIFFUSE GASTRIC AND LOBULAR BREAST CANCER SYNDROME. Identifiers: Orphanet 26106, MedGen C1708349, MONDO:0007648, OMIM 137215.
Hereditary cancer-predisposing syndrome. Also called: Hereditary neoplastic syndrome; Tumor predisposition; Neoplastic Syndromes, Hereditary; Hereditary Cancer Syndrome. Identifiers: Orphanet 140162, MedGen C0027672, MeSH D009386, MONDO:0015356.

Allele frequency attached by ClinVar (database versions not stated): gnomAD exomes below 0.00001.
gnomAD v4.1: 1 of 1,613,952 alleles (0.000062%); highest among the groups gnomAD compares: Admixed American, 0.0017%; no homozygotes.

Submissions (3):

Myriad Genetics, Inc.
Classification: Benign for Hereditary diffuse gastric adenocarcinoma. Last evaluated: 2024-09-20. Review status: criteria provided, single submitter. Criteria: Myriad Autosomal Dominant, Autosomal Recessive and X-Linked Classification Criteria (2023). Collection method: clinical testing. Allele origin: unknown.
Comment: This variant is considered benign. This variant is a silent/synonymous amino acid change and it is not expected to impact splicing.

Labcorp Genetics (formerly Invitae), Labcorp
Classification: Likely benign for Hereditary diffuse gastric adenocarcinoma. Last evaluated: 2024-09-04. Review status: criteria provided, single submitter. Criteria: Invitae Variant Classification Sherloc (09022015). Collection method: clinical testing. Allele origin: germline.

Ambry Genetics
Classification: Uncertain significance for Hereditary cancer-predisposing syndrome. Last evaluated: 2024-02-05. Review status: criteria provided, single submitter. Criteria: Ambry Variant Classification Scheme 2023. Collection method: clinical testing. Allele origin: germline.
Comment: The c.2187G>C variant (also known as p.L729L), located in coding exon 14 of the CDH1 gene, results from a G to C substitution at nucleotide position 2187. This nucleotide substitution does not change the codon at 729. This nucleotide position is not well conserved in available vertebrate species. In silico splice site analysis predicts that this alteration may result in the creation or strengthening of a novel splice acceptor site; however, direct evidence is insufficient at this time (Ambry internal data). Since supporting evidence is limited at this time, the clinical significance of this alteration remains unclear.